The following is an entry in ClinVar:

NM_024301.5(FKRP):c.337G>A (p.Ala113Thr)

Gene: FKRP (fukutin related protein; plus strand). Cytogenetic location: 19q13.32.
Variant type: single nucleotide variant.
Coding change: c.337G>A on transcript NM_024301.5 (MANE Select); coding-DNA position 337, G replaced by A.
Protein change: p.Ala113Thr; replaces alanine 113 with threonine.
Molecular consequence: missense variant.
Genome position (GRCh38, 1-based): chr19:46,755,787, G>A. VCF-style: chr19-46755787-G-A. GRCh37 (hg19) VCF-style: chr19-47259044-G-A.
Other names: c.337G>A, p.Ala113Thr (NM_001039885.3); short protein forms A113T.
Identifiers: ClinVar variation 4257862 (VCV004257862.1).

ClinVar aggregate classification (germline): Uncertain significance (1 of 4 stars; one submission).

Conditions:
Cardiovascular phenotype. Identifiers: MedGen CN230736.

Submission:

Ambry Genetics
Classification: Uncertain significance for Cardiovascular phenotype. Last evaluated: 2025-06-15. Review status: criteria provided, single submitter. Criteria: Ambry Variant Classification Scheme 2023. Collection method: clinical testing. Allele origin: germline.
Comment: The p.A113T variant (also known as c.337G>A), located in coding exon 1 of the FKRP gene, results from a G to A substitution at nucleotide position 337. The alanine at codon 113 is replaced by threonine, an amino acid with similar properties. This amino acid position is conserved. In addition, this alteration is predicted to be tolerated by in silico analysis. Based on the available evidence, the clinical significance of this variant remains unclear.